The following is an entry in ClinVar:

ClinVar aggregate classification (germline): Uncertain significance. Review status: criteria provided, multiple submitters, no conflicts (2 of 4 stars). 2 submissions from 2 submitters: Uncertain significance (2). Last evaluated 2022-07-18.

Conditions:
Inborn genetic diseases. Identifiers: MedGen C0950123, MeSH D030342.
Neuronal ceroid lipofuscinosis. Also called: Neuronal Ceroid Lipofuscinoses. Identifiers: Orphanet 216, Orphanet 79263, MedGen C0027877, MONDO:0016295. Disease mechanism: loss of function.

Allele frequency attached by ClinVar (database versions not stated): gnomAD exomes below 0.00001; TOPMed below 0.00001; gnomAD 0.00001.

Submissions (2):

Labcorp Genetics (formerly Invitae), Labcorp
Classification: Uncertain significance for Neuronal ceroid lipofuscinosis. Last evaluated: 2022-07-18. Review status: criteria provided, single submitter. Criteria: Invitae Variant Classification Sherloc (09022015). Collection method: clinical testing. Allele origin: germline.
Comment: This sequence change replaces histidine, which is basic and polar, with arginine, which is basic and polar, at codon 146 of the CLN3 protein (p.His146Arg). This variant is present in population databases (no rsID available, gnomAD 0.0009%). This variant has not been reported in the literature in individuals affected with CLN3-related conditions. ClinVar contains an entry for this variant (Variation ID: 590139). Algorithms developed to predict the effect of missense changes on protein structure and function (SIFT, PolyPhen-2, Align-GVGD) all suggest that this variant is likely to be tolerated. In summary, the available evidence is currently insufficient to determine the role of this variant in disease. Therefore, it has been classified as a Variant of Uncertain Significance.

Ambry Genetics
Classification: Uncertain significance for Inborn genetic diseases. Last evaluated: 2017-05-24. Review status: criteria provided, single submitter. Criteria: Ambry Variant Classification Scheme 2023. Collection method: clinical testing. Allele origin: germline.
Comment: The p.H146R variant (also known as c.437A>G), located in coding exon 6 of the CLN3 gene, results from an A to G substitution at nucleotide position 437. The histidine at codon 146 is replaced by arginine, an amino acid with highly similar properties. This amino acid position is not well conserved in available vertebrate species. In addition, the in silico prediction for this alteration is inconclusive. Since supporting evidence is limited at this time, the clinical significance of this alteration remains unclear.

NM_001042432.2(CLN3):c.437A>G (p.His146Arg)

Gene: CLN3 (CLN3 lysosomal/endosomal transmembrane protein, battenin; minus strand). Cytogenetic location: 16p12.1.
Variant type: single nucleotide variant.
Coding change: c.437A>G on transcript NM_001042432.2 (MANE Select); coding-DNA position 437, A replaced by G.
Protein change: p.His146Arg; replaces histidine 146 with arginine.
Molecular consequence: missense variant.
Genome position (GRCh38, 1-based): chr16:28,487,479, T>C on the plus strand (A>G on the coding strand, the complement: CLN3 is on the minus strand). VCF-style: chr16-28487479-T-C. GRCh37 (hg19) VCF-style: chr16-28498800-T-C.
Other names: c.437A>G, p.His146Arg (NM_000086.2); c.365A>G, p.His122Arg (NM_001286104.2); c.137A>G, p.His46Arg (NM_001286105.2); c.203A>G, p.His68Arg (NM_001286109.2); c.275A>G, p.His92Arg (NM_001286110.2); short protein forms H146R, H122R, H46R, H68R, H92R.
Identifiers: ClinVar variation 590139 (VCV000590139.7), dbSNP rs1197989757, ClinGen allele CA395345829.
Genomic context (GRCh38, chr16:28,487,479, plus strand): 5'-TCGGGGCTCCCCATCTGACACAGAACCACACACTCACCACACAGGCTGGTCCCCACAGAA[T>C]GAGAAAAGGCAACCAGGACGAAGCTTCCAGCAGCACAAATCCCACTGACGAGAACCCGGG-3'
Protein context (NP_001035897.1, residues 136-156): AGSFVLVAFS[His146Arg]SVGTSLCGVV